The following is an entry in ClinVar:

NM_000440.3(PDE6A):c.416G>T (p.Gly139Val)

Gene: PDE6A (phosphodiesterase 6A; minus strand). Cytogenetic location: 5q32.
Variant type: single nucleotide variant.
Coding change: c.416G>T on transcript NM_000440.3 (MANE Select); coding-DNA position 416, G replaced by T.
Protein change: p.Gly139Val; replaces glycine 139 with valine.
Molecular consequence: missense variant.
Genome position (GRCh38, 1-based): chr5:149,944,258, C>A on the plus strand (G>T on the coding strand, the complement: PDE6A is on the minus strand). VCF-style: chr5-149944258-C-A. GRCh37 (hg19) VCF-style: chr5-149323821-C-A.
Other names: short protein forms G139V.
Identifiers: ClinVar variation 938304 (VCV000938304.9), dbSNP rs1754404616, ClinGen allele CA361700032.

ClinVar aggregate classification (germline): Uncertain significance (1 of 4 stars; one submission).

gnomAD v4.1: 1 of 1,613,748 alleles (0.000062%); highest among the groups gnomAD compares: Admixed American, 0.0017%; no homozygotes.

Submission:

Labcorp Genetics (formerly Invitae), Labcorp
Classification: Uncertain significance. Last evaluated: 2022-08-08. Review status: criteria provided, single submitter. Criteria: Invitae Variant Classification Sherloc (09022015). Collection method: clinical testing. Allele origin: germline.
Comment: This sequence change replaces glycine, which is neutral and non-polar, with valine, which is neutral and non-polar, at codon 139 of the PDE6A protein (p.Gly139Val). This variant is not present in population databases (gnomAD no frequency). This variant has not been reported in the literature in individuals affected with PDE6A-related conditions. ClinVar contains an entry for this variant (Variation ID: 938304). Algorithms developed to predict the effect of missense changes on protein structure and function are either unavailable or do not agree on the potential impact of this missense change (SIFT: "Deleterious"; PolyPhen-2: "Probably Damaging"; Align-GVGD: "Class C0"). In summary, the available evidence is currently insufficient to determine the role of this variant in disease. Therefore, it has been classified as a Variant of Uncertain Significance.